The following is an entry in ClinVar:

ClinVar aggregate classification (germline): Likely benign (1 of 4 stars; one submission).

Allele frequency attached by ClinVar (database versions not stated): ExAC 0.00215; 1000 Genomes Project 0.00260; gnomAD 0.00432; gnomAD exomes 0.00469.
gnomAD v4.1: 5,555 of 1,210,498 alleles (0.46%); highest among the groups gnomAD compares: Non-Finnish European, 0.55%; 146 homozygotes.

Submission:

CeGaT Center for Human Genetics Tuebingen
Classification: Likely benign. Last evaluated: 2025-06-01. Review status: criteria provided, single submitter. Criteria: CeGaT Center For Human Genetics Tuebingen Variant Classification Criteria Version 2. Collection method: clinical testing. Allele origin: germline. Affected: yes. Observed: 2 variant alleles.
Comment: TPRX1: BP4, BP7, BS2

NM_001397346.1(TPRX1):c.867G>A (p.Pro289=)

Gene: TPRX1 (tetrapeptide repeat homeobox 1; minus strand). Cytogenetic location: 19q13.33.
Variant type: single nucleotide variant.
Coding change: c.867G>A on transcript NM_001397346.1 (MANE Select); coding-DNA position 867, G replaced by A.
Protein change: p.Pro289=; no amino-acid change (proline 289 retained).
Molecular consequence: synonymous variant.
Genome position (GRCh38, 1-based): chr19:47,802,309, C>T on the plus strand (G>A on the coding strand, the complement: TPRX1 is on the minus strand). VCF-style: chr19-47802309-C-T. GRCh37 (hg19) VCF-style: chr19-48305566-C-T.
Other names: c.993G>A, p.Pro331= (NM_198479.3).
Identifiers: ClinVar variation 2650192 (VCV002650192.24), dbSNP rs12463317, ClinGen allele CA9544115.
Genomic context (GRCh38, chr19:47,802,309, plus strand): 5'-TGGGCCTGGGATCAGGCCTGGGTTCGGGCCTGAGATTGGGCCTGGGATCGGGCCTGGGTT[C>T]GGGCCTGAGATTGGGCCTGGGATTGGGCCTGGGATCGGGCCTGGGTTTGGGCCTGAGATT-3'
Protein context (NP_001384275.1, residues 279-299): PGPIPGPISG[Pro289=]NPGPIPGPIS